The following is an entry in ClinVar:

NM_001134831.2(AHI1):c.3313del (p.His1105fs)

Gene: AHI1 (Abelson helper integration site 1; minus strand). Cytogenetic location: 6q23.3.
Variant type: Deletion.
Coding change: c.3313del on transcript NM_001134831.2 (MANE Select); coding-DNA position 3313, one base deleted (C; older notation c.3313delC).
Protein change: p.His1105fs; shifts the reading frame from histidine 1105.
Molecular consequence: frameshift variant.
Genome position (GRCh38, 1-based): chr6:135,323,177, G deleted on the plus strand (C on the coding strand, the reverse complement: AHI1 is on the minus strand). VCF-style (leftmost placement, unchanged base first): chr6-135323176-TG-T. GRCh37 (hg19) VCF-style: chr6-135644314-TG-T.
Other names: c.3313del, p.His1105fs (NM_001134830.2, NM_001350503.2, NM_001350504.2 and 1 more transcripts); short protein forms H1105fs.
Identifiers: ClinVar variation 2861457 (VCV002861457.3), dbSNP rs2483264736, ClinGen allele CA2739266158.
Genomic context (GRCh38, chr6:135,323,176, plus strand): 5'-TCAGTTATACCATACTAGTAAACCAGGAAGGGAGCATAAAACTTACTTTCACTAGCCACA[TG>T]ATTAGCTGGAAAATAACCTTCCTGTCCCTTTCCTATGCTGCCATACCACCAGTCTTCATT-3'

ClinVar aggregate classification (germline): Pathogenic (1 of 4 stars; one submission).

Conditions:
Joubert syndrome. Also called: CEREBELLOPARENCHYMAL DISORDER IV; JOUBERT-BOLTSHAUSER SYNDROME; Familial aplasia of the vermis. Identifiers: Orphanet 475, MedGen C5979921, MONDO:0018772.

Submission:

Labcorp Genetics (formerly Invitae), Labcorp
Classification: Pathogenic for Joubert syndrome. Last evaluated: 2023-05-02. Review status: criteria provided, single submitter. Criteria: Invitae Variant Classification Sherloc (09022015). Collection method: clinical testing. Allele origin: germline.
Comment: This sequence change creates a premature translational stop signal (p.His1105Metfs*15) in the AHI1 gene. It is expected to result in an absent or disrupted protein product. Loss-of-function variants in AHI1 are known to be pathogenic (PMID: 15322546, 16453322, 28442542, 29186038). This variant is not present in population databases (gnomAD no frequency). This variant has not been reported in the literature in individuals affected with AHI1-related conditions. For these reasons, this variant has been classified as Pathogenic.

Literature cited by the submitters: PubMed 15322546; PubMed 16453322; PubMed 28442542; PubMed 29186038.